The following is an entry in ClinVar:

NM_001008216.2(GALE):c.689A>G (p.Tyr230Cys)

Gene: GALE (UDP-galactose-4-epimerase; minus strand). Cytogenetic location: 1p36.11.
Variant type: single nucleotide variant.
Coding change: c.689A>G on transcript NM_001008216.2 (MANE Select); coding-DNA position 689, A replaced by G.
Protein change: p.Tyr230Cys; replaces tyrosine 230 with cysteine.
Molecular consequence: missense variant.
Genome position (GRCh38, 1-based): chr1:23,796,896, T>C on the plus strand (A>G on the coding strand, the complement: GALE is on the minus strand). VCF-style: chr1-23796896-T-C. GRCh37 (hg19) VCF-style: chr1-24123386-T-C.
Other names: c.689A>G, p.Tyr230Cys (NM_000403.4, NM_001127621.2); short protein forms Y230C.
Identifiers: ClinVar variation 2201230 (VCV002201230.3), dbSNP rs370084467, ClinGen allele CA685574.
Genomic context (GRCh38, chr1:23,796,896, plus strand): 5'-CCTGGCTCCCACTCCTAGGTCCCCCTGGTCCTAGGCTCACCTGTGCCATCCTCTGTGTCA[T>C]AGTCATTGCCAAAGACATTCAGGGCCTCCCGTCGCCCGATCGCCACCTGGAGGTGGAGAT-3'
Protein context (NP_001008217.1, residues 220-240): REALNVFGND[Tyr230Cys]DTEDGTGVRD

ClinVar aggregate classification (germline): Uncertain significance. Review status: criteria provided, multiple submitters, no conflicts (2 of 4 stars). 2 submissions from 2 submitters: Uncertain significance (2). Last evaluated 2025-05-21.

Conditions:
UDPglucose-4-epimerase deficiency. Also called: GALACTOSEMIA III; GALE DEFICIENCY; UDP-GALACTOSE-4-EPIMERASE DEFICIENCY; Galactose epimerase deficiency; UDPglucose 4-Epimerase Deficiency Disease; Epimerase Deficiency Galactosemia. Identifiers: Orphanet 352, Orphanet 79238, MedGen C0751161, MONDO:0009257, OMIM 230350.

Allele frequency attached by ClinVar (database versions not stated): ESP Exome Variant Server 0.00008; ExAC 0.00001; gnomAD exomes below 0.00001.
gnomAD v4.1: 1 of 1,613,808 alleles (0.000062%); highest among the groups gnomAD compares: Admixed American, 0.0017%; no homozygotes.

Submissions (2):

Dasa
Classification: Uncertain significance. Last evaluated: 2025-05-21. Review status: criteria provided, single submitter. Criteria: DASA Assertion Criteria. Collection method: clinical testing. Allele origin: germline.
Comment: NM_001008216.2(GALE):c.689A>G (p.Tyr230Cys) is a missense variant that results in the substitution of tyrosine with cysteine. This variant is rare in population databases. Computational prediction algorithms are consistent with a deleterious effect. The currently available literature and clinical evidence are not sufficient to establish a definitive association between this variant and the reported condition. Therefore, this variant is classified as a variant of uncertain significance.

Labcorp Genetics (formerly Invitae), Labcorp
Classification: Uncertain significance for UDPglucose-4-epimerase deficiency. Last evaluated: 2022-01-03. Review status: criteria provided, single submitter. Criteria: Invitae Variant Classification Sherloc (09022015). Collection method: clinical testing. Allele origin: germline.
Comment: This sequence change replaces tyrosine, which is neutral and polar, with cysteine, which is neutral and slightly polar, at codon 230 of the GALE protein (p.Tyr230Cys). This variant is present in population databases (rs370084467, gnomAD 0.003%). This variant has not been reported in the literature in individuals affected with GALE-related conditions. Algorithms developed to predict the effect of missense changes on protein structure and function (SIFT, PolyPhen-2, Align-GVGD) all suggest that this variant is likely to be disruptive. In summary, the available evidence is currently insufficient to determine the role of this variant in disease. Therefore, it has been classified as a Variant of Uncertain Significance.